The following is an entry in ClinVar:

ClinVar aggregate classification (germline): Uncertain significance (1 of 4 stars; one submission).

Conditions:
Proline dehydrogenase deficiency (HYRPRO1). Also called: PROLINE OXIDASE DEFICIENCY; Hyperprolinemia type 1. Identifiers: Orphanet 419, MedGen C0268529, MONDO:0009400, OMIM 239500.

Submission:

Labcorp Genetics (formerly Invitae), Labcorp
Classification: Uncertain significance for Proline dehydrogenase deficiency. Last evaluated: 2022-07-12. Review status: criteria provided, single submitter. Criteria: Invitae Variant Classification Sherloc (09022015). Collection method: clinical testing. Allele origin: germline.
Comment: This sequence change replaces methionine, which is neutral and non-polar, with threonine, which is neutral and polar, at codon 473 of the PRODH protein (p.Met473Thr). This variant is not present in population databases (gnomAD no frequency). This variant has not been reported in the literature in individuals affected with PRODH-related conditions. ClinVar contains an entry for this variant (Variation ID: 529418). Algorithms developed to predict the effect of missense changes on protein structure and function (SIFT, PolyPhen-2, Align-GVGD) all suggest that this variant is likely to be tolerated. In summary, the available evidence is currently insufficient to determine the role of this variant in disease. Therefore, it has been classified as a Variant of Uncertain Significance.

NM_016335.6(PRODH):c.1418T>C (p.Met473Thr)

Gene: PRODH (proline dehydrogenase 1; minus strand). Cytogenetic location: 22q11.21.
Variant type: single nucleotide variant.
Coding change: c.1418T>C on transcript NM_016335.6 (MANE Select); coding-DNA position 1418, T replaced by C.
Protein change: p.Met473Thr; replaces methionine 473 with threonine.
Molecular consequence: missense variant.
Genome position (GRCh38, 1-based): chr22:18,918,325, A>G on the plus strand (T>C on the coding strand, the complement: PRODH is on the minus strand). VCF-style: chr22-18918325-A-G. GRCh37 (hg19) VCF-style: chr22-18905838-A-G.
Other names: c.1094T>C, p.Met365Thr (NM_001195226.2); short protein forms M473T, M365T.
Identifiers: ClinVar variation 529418 (VCV000529418.10), dbSNP rs1555890224, ClinGen allele CA410641823.